The following is an entry in ClinVar:

ClinVar aggregate classification (germline): Uncertain significance (1 of 4 stars; one submission).

Conditions:
Cardiovascular phenotype. Identifiers: MedGen CN230736.

gnomAD v4.1: 19 of 1,614,168 alleles (0.0012%); highest among the groups gnomAD compares: Non-Finnish European, 0.0016%; no homozygotes.

Submission:

Ambry Genetics
Classification: Uncertain significance for Cardiovascular phenotype. Last evaluated: 2024-08-19. Review status: criteria provided, single submitter. Criteria: Ambry Variant Classification Scheme 2023. Collection method: clinical testing. Allele origin: germline.
Comment: The p.E62K variant (also known as c.184G>A), located in coding exon 2 of the TBX5 gene, results from a G to A substitution at nucleotide position 184. The glutamic acid at codon 62 is replaced by lysine, an amino acid with similar properties. This amino acid position is conserved. In addition, this alteration is predicted to be deleterious by in silico analysis. Based on the available evidence, the clinical significance of this variant remains unclear.

NM_181486.4(TBX5):c.184G>A (p.Glu62Lys)

Gene: TBX5 (T-box transcription factor 5; minus strand). Cytogenetic location: 12q24.21.
Variant type: single nucleotide variant.
Coding change: c.184G>A on transcript NM_181486.4 (MANE Select); coding-DNA position 184, G replaced by A.
Protein change: p.Glu62Lys; replaces glutamic acid 62 with lysine.
Molecular consequence: missense variant.
Genome position (GRCh38, 1-based): chr12:114,401,884, C>T on the plus strand (G>A on the coding strand, the complement: TBX5 is on the minus strand). VCF-style: chr12-114401884-C-T. GRCh37 (hg19) VCF-style: chr12-114839689-C-T.
Other names: c.184G>A, p.Glu62Lys (NM_000192.3); c.34G>A, p.Glu12Lys (NM_080717.4); short protein forms E62K, E12K.
Identifiers: ClinVar variation 3453917 (VCV003453917.1).